The following is an entry in ClinVar:

NC_000008.10:g.(?_133141509)_(134296554_?)dup

Genes: TG (thyroglobulin; plus strand), TMEM71 (transmembrane protein 71; minus strand), CCN4 (cellular communication network factor 4; plus strand), DNAAF11 (dynein axonemal assembly factor 11; minus strand), KCNQ3 (potassium voltage-gated channel subfamily Q member 3; minus strand) and 3 more. Cytogenetic location: 8q24.22.
Variant type: Duplication.
Identifiers: ClinVar variation 1429361 (VCV001429361.5).

ClinVar aggregate classification (germline): Uncertain significance (1 of 4 stars; one submission).

Conditions:
Benign neonatal seizures. Also called: Benign familial neonatal epilepsy; Benign neonatal familial convulsions; Convulsions benign familial neonatal dominant form; Autosomal dominant form of benign neonatal seizures; Benign familial neonatal seizures. Identifiers: Orphanet 1949, MedGen C0220669, MONDO:0016027.

Submission:

Labcorp Genetics (formerly Invitae), Labcorp
Classification: Uncertain significance for Benign neonatal seizures. Last evaluated: 2023-09-29. Review status: criteria provided, single submitter. Criteria: Invitae Variant Classification Sherloc (09022015). Collection method: clinical testing. Allele origin: germline.
Comment: A copy number gain of the genomic region encompassing the full coding sequence of the KCNQ3 gene has been identified. The boundaries of this event are unknown as they extend beyond the assayed region for this gene and therefore may encompass additional genes. As the precise location of this event is unknown, it may be in tandem or it may be located elsewhere in the genome. This variant has not been reported in the literature in individuals affected with KCNQ3-related conditions. In summary, the available evidence is currently insufficient to determine the role of this variant in disease. Therefore, it has been classified as a Variant of Uncertain Significance.